The following is an entry in ClinVar:

NM_145038.5(DRC1):c.1669C>T (p.Arg557Cys)

Gene: DRC1 (dynein regulatory complex subunit 1; plus strand). Cytogenetic location: 2p23.3.
Variant type: single nucleotide variant.
Coding change: c.1669C>T on transcript NM_145038.5 (MANE Select); coding-DNA position 1669, C replaced by T.
Protein change: p.Arg557Cys; replaces arginine 557 with cysteine.
Molecular consequence: missense variant.
Genome position (GRCh38, 1-based): chr2:26,450,661, C>T. VCF-style: chr2-26450661-C-T. GRCh37 (hg19) VCF-style: chr2-26673529-C-T.
Other names: short protein forms R557C.
Identifiers: ClinVar variation 2415688 (VCV002415688.12), dbSNP rs779986198, ClinGen allele CA1562356.

ClinVar aggregate classification (germline): Uncertain significance (1 of 4 stars; one submission).

Conditions:
Primary ciliary dyskinesia. Also called: Ciliary dyskinesia. Identifiers: Orphanet 244, MedGen C0008780, MONDO:0016575, HP:0012265.

Allele frequency attached by ClinVar (database versions not stated): ExAC 0.00002; gnomAD 0.00002; TOPMed 0.00002; gnomAD exomes 0.00003.
gnomAD v4.1: 49 of 1,605,472 alleles (0.0031%); highest among the groups gnomAD compares: East Asian, 0.0067%; no homozygotes.

Submission:

Labcorp Genetics (formerly Invitae), Labcorp
Classification: Uncertain significance for Primary ciliary dyskinesia. Last evaluated: 2023-11-02. Review status: criteria provided, single submitter. Criteria: Invitae Variant Classification Sherloc (09022015). Collection method: clinical testing. Allele origin: germline.
Comment: This sequence change replaces arginine, which is basic and polar, with cysteine, which is neutral and slightly polar, at codon 557 of the DRC1 protein (p.Arg557Cys). This variant is present in population databases (rs779986198, gnomAD 0.01%). This variant has not been reported in the literature in individuals affected with DRC1-related conditions. ClinVar contains an entry for this variant (Variation ID: 2415688). An algorithm developed to predict the effect of missense changes on protein structure and function (PolyPhen-2) suggests that this variant¬†is likely to be tolerated. In summary, the available evidence is currently insufficient to determine the role of this variant in disease. Therefore, it has been classified as a Variant of Uncertain Significance.